The following is an entry in ClinVar:

NM_181675.4(PPP2R2B):c.328A>G (p.Thr110Ala)

Gene: PPP2R2B (protein phosphatase 2 regulatory subunit Bbeta; minus strand). Cytogenetic location: 5q32.
Variant type: single nucleotide variant.
Coding change: c.328A>G on transcript NM_181675.4 (MANE Select); coding-DNA position 328, A replaced by G.
Protein change: p.Thr110Ala; replaces threonine 110 with alanine.
Molecular consequence: missense variant. On other transcripts: non-coding transcript variant (2).
Genome position (GRCh38, 1-based): chr5:146,697,985, T>C on the plus strand (A>G on the coding strand, the complement: PPP2R2B is on the minus strand). VCF-style: chr5-146697985-T-C. GRCh37 (hg19) VCF-style: chr5-146077548-T-C.
Other names: c.346A>G, p.Thr116Ala (NM_001271899.1); c.502A>G, p.Thr168Ala (NM_001271900.2); c.295A>G, p.Thr99Ala (NM_001271948.2, NM_181678.2); c.526A>G, p.Thr176Ala (NM_181674.3); c.337A>G, p.Thr113Ala (NM_181676.3); c.268A>G, p.Thr90Ala (NM_181677.2); short protein forms T99A, T116A, T113A, T168A, T176A, T90A, T110A.
Identifiers: ClinVar variation 423550 (VCV000423550.5), dbSNP rs1064796487, ClinGen allele CA16618135.

ClinVar aggregate classification (germline): Uncertain significance (1 of 4 stars; one submission).

Conditions:
PPP2R2B-related disorder. Also called: PPP2R2B-related condition.

Allele frequency attached by ClinVar (database versions not stated): TOPMed below 0.00001.

Submission:

GeneDx
Classification: Uncertain significance. Last evaluated: 2019-06-25. Review status: criteria provided, single submitter. Criteria: GeneDx Variant Classification Process June 2021. Collection method: clinical testing. Allele origin: germline. Affected: yes.
Comment: Not observed in large population cohorts (Lek et al., 2016); In silico analysis, which includes protein predictors and evolutionary conservation, supports a deleterious effect; Has not been previously published as pathogenic or benign to our knowledge